The following is an entry in ClinVar:

ClinVar aggregate classification (germline): Uncertain significance. Review status: criteria provided, multiple submitters, no conflicts (2 of 4 stars). 2 submissions from 2 submitters: Uncertain significance (2). Last evaluated 2025-08-25.

Conditions:
Multiple endocrine neoplasia, type 2 (MEN2). Identifiers: Orphanet 653, MedGen C4048306, MONDO:0019003. Disease mechanism: gain of function.
Hereditary cancer-predisposing syndrome. Also called: Neoplastic Syndromes, Hereditary; Tumor predisposition; Hereditary Cancer Syndrome; Hereditary neoplastic syndrome. Identifiers: Orphanet 140162, MedGen C0027672, MeSH D009386, MONDO:0015356.

Allele frequency attached by ClinVar (database versions not stated): gnomAD exomes below 0.00001; gnomAD 0.00001.
gnomAD v4.1: 2 of 1,612,454 alleles (0.00012%); highest among the groups gnomAD compares: Non-Finnish European, 0.00017%; no homozygotes.

Submissions (2):

Ambry Genetics
Classification: Uncertain significance for Hereditary cancer-predisposing syndrome. Last evaluated: 2025-08-25. Review status: criteria provided, single submitter. Criteria: Ambry Variant Classification Scheme 2023. Collection method: clinical testing. Allele origin: germline.
Comment: The p.K821R variant (also known as c.2462A>G), located in coding exon 14 of the RET gene, results from an A to G substitution at nucleotide position 2462. The lysine at codon 821 is replaced by arginine, an amino acid with highly similar properties. This amino acid position is highly conserved in available vertebrate species. In addition, the in silico prediction for this alteration is inconclusive. Based on the available evidence, the clinical significance of this variant remains unclear.

Labcorp Genetics (formerly Invitae), Labcorp
Classification: Uncertain significance for Multiple endocrine neoplasia, type 2. Last evaluated: 2024-02-17. Review status: criteria provided, single submitter. Criteria: Invitae Variant Classification Sherloc (09022015). Collection method: clinical testing. Allele origin: germline.
Comment: This sequence change replaces lysine, which is basic and polar, with arginine, which is basic and polar, at codon 821 of the RET protein (p.Lys821Arg). This variant is present in population databases (no rsID available, gnomAD 0.007%). This variant has not been reported in the literature in individuals affected with RET-related conditions. ClinVar contains an entry for this variant (Variation ID: 232644). An algorithm developed to predict the effect of missense changes on protein structure and function (PolyPhen-2) suggests that this variant is likely to be disruptive. In summary, the available evidence is currently insufficient to determine the role of this variant in disease. Therefore, it has been classified as a Variant of Uncertain Significance.

NM_020975.6(RET):c.2462A>G (p.Lys821Arg)

Gene: RET (ret proto-oncogene; plus strand). Cytogenetic location: 10q11.21.
Variant type: single nucleotide variant.
Coding change: c.2462A>G on transcript NM_020975.6 (MANE Select); coding-DNA position 2462, A replaced by G.
Protein change: p.Lys821Arg; replaces lysine 821 with arginine.
Molecular consequence: missense variant.
Genome position (GRCh38, 1-based): chr10:43,119,600, A>G. VCF-style: chr10-43119600-A-G. GRCh37 (hg19) VCF-style: chr10-43615048-A-G.
Other names: c.2462A>G, p.Lys821Arg (NM_000323.2, NM_001406743.1, NM_001406744.1 and 4 more transcripts); c.1700A>G, p.Lys567Arg (NM_001355216.2); c.2333A>G, p.Lys778Arg (NM_001406761.1, NM_001406762.1, NM_001406764.1); c.2327A>G, p.Lys776Arg (NM_001406763.1, NM_001406765.1); c.2174A>G, p.Lys725Arg (NM_001406766.1, NM_001406767.1, NM_001406770.1); c.2198A>G, p.Lys733Arg (NM_001406768.1); c.2066A>G, p.Lys689Arg (NM_001406769.1, NM_001406772.1); c.2024A>G, p.Lys675Arg (NM_001406771.1, NM_001406773.1); and 10 more; short protein forms K821R, K567R, K426R, K482R, K675R, K689R, K733R, K338R.
Identifiers: ClinVar variation 232644 (VCV000232644.9), dbSNP rs876659895, ClinGen allele CA10578866.
Genomic context (GRCh38, chr10:43,119,600, plus strand): 5'-TCCTCATCGTGGAGTACGCCAAATACGGCTCCCTGCGGGGCTTCCTCCGCGAGAGCCGCA[A>G]AGTGGGGCCTGGCTACCTGGGCAGTGGAGGCAGCCGCAACTCCAGCTCCCTGGACCACCC-3'
Protein context (NP_066124.1, residues 811-831): SLRGFLRESR[Lys821Arg]VGPGYLGSGG